The following is an entry in ClinVar:

ClinVar aggregate classification (germline): Uncertain significance (1 of 4 stars; one submission).

Submission:

Labcorp Genetics (formerly Invitae), Labcorp
Classification: Uncertain significance. Last evaluated: 2021-03-18. Review status: criteria provided, single submitter. Criteria: Invitae Variant Classification Sherloc (09022015). Collection method: clinical testing. Allele origin: germline.
Comment: In summary, the available evidence is currently insufficient to determine the role of this variant in disease. Therefore, it has been classified as a Variant of Uncertain Significance. Advanced modeling of protein sequence and biophysical properties (such as structural, functional, and spatial information, amino acid conservation, physicochemical variation, residue mobility, and thermodynamic stability) performed at Invitae indicates that this missense variant is expected to disrupt LRP5 protein function. This variant has been observed in individual(s) with clinical features of familial exudative vitreoretinopathy (Invitae). This variant is not present in population databases (ExAC no frequency). This sequence change replaces histidine with tyrosine at codon 572 of the LRP5 protein (p.His572Tyr). The histidine residue is highly conserved and there is a moderate physicochemical difference between histidine and tyrosine.

NM_002335.4(LRP5):c.1714C>T (p.His572Tyr)

Gene: LRP5 (LDL receptor related protein 5; plus strand). Cytogenetic location: 11q13.2.
Variant type: single nucleotide variant.
Coding change: c.1714C>T on transcript NM_002335.4 (MANE Select); coding-DNA position 1714, C replaced by T.
Protein change: p.His572Tyr; replaces histidine 572 with tyrosine.
Molecular consequence: missense variant. On other transcripts: 5 prime UTR variant (1).
Genome position (GRCh38, 1-based): chr11:68,403,612, C>T. VCF-style: chr11-68403612-C-T. GRCh37 (hg19) VCF-style: chr11-68171080-C-T.
Other names: c.-224C>T (NM_001291902.2); short protein forms H572Y.
Identifiers: ClinVar variation 1038047 (VCV001038047.8), dbSNP rs2098653909, ClinGen allele CA381614439.